The following is an entry in ClinVar:

ClinVar aggregate classification (germline): Uncertain significance. Review status: criteria provided, multiple submitters, no conflicts (2 of 4 stars). 2 submissions from 2 submitters: Uncertain significance (2). Last evaluated 2024-10-09.

Conditions:
Inborn genetic diseases. Identifiers: MedGen C0950123, MeSH D030342.
Hereditary spastic paraplegia 4. Also called: Spastic Paraplegia 4; Spastic paraplegia 4, autosomal dominant; Familial spastic paraplegia autosomal dominant 2. Identifiers: Orphanet 100985, MedGen C1866855, MONDO:0008438, OMIM 182601.

Submissions (2):

Ambry Genetics
Classification: Uncertain significance for Inborn genetic diseases. Last evaluated: 2024-10-09. Review status: criteria provided, single submitter. Criteria: Ambry Variant Classification Scheme 2023. Collection method: clinical testing. Allele origin: germline.

Labcorp Genetics (formerly Invitae), Labcorp
Classification: Uncertain significance for Hereditary spastic paraplegia 4. Last evaluated: 2024-06-26. Review status: criteria provided, single submitter. Criteria: Invitae Variant Classification Sherloc (09022015). Collection method: clinical testing. Allele origin: germline.
Comment: This sequence change replaces cysteine, which is neutral and slightly polar, with tryptophan, which is neutral and slightly polar, at codon 220 of the SPAST protein (p.Cys220Trp). This variant is not present in population databases (gnomAD no frequency). This variant has not been reported in the literature in individuals affected with SPAST-related conditions. Advanced modeling of protein sequence and biophysical properties (such as structural, functional, and spatial information, amino acid conservation, physicochemical variation, residue mobility, and thermodynamic stability) has been performed at Invitae for this missense variant, however the output from this modeling did not meet the statistical confidence thresholds required to predict the impact of this variant on SPAST protein function. In summary, the available evidence is currently insufficient to determine the role of this variant in disease. Therefore, it has been classified as a Variant of Uncertain Significance.

NM_014946.4(SPAST):c.660C>G (p.Cys220Trp)

Gene: SPAST (spastin; plus strand). Cytogenetic location: 2p22.3.
Variant type: single nucleotide variant.
Coding change: c.660C>G on transcript NM_014946.4 (MANE Select); coding-DNA position 660, C replaced by G.
Protein change: p.Cys220Trp; replaces cysteine 220 with tryptophan.
Molecular consequence: missense variant. On other transcripts: intron variant (3).
Genome position (GRCh38, 1-based): chr2:32,098,869, C>G. VCF-style: chr2-32098869-C-G. GRCh37 (hg19) VCF-style: chr2-32323938-C-G.
Other names: c.657C>G, p.Cys219Trp (NM_001363823.2); c.586+9264C>G (NM_199436.2, NM_001377959.1); c.583+9264C>G (NM_001363875.2); short protein forms C219W, C220W.
Identifiers: ClinVar variation 3447821 (VCV003447821.3).